The following is an entry in ClinVar:

NM_152564.5(VPS13B):c.1652-8T>G

Gene: VPS13B (vacuolar protein sorting 13 homolog B; plus strand). Cytogenetic location: 8q22.2.
Variant type: single nucleotide variant.
Coding change: c.1652-8T>G on transcript NM_152564.5 (MANE Select); 8 bases into the intron before coding-DNA position 1652, T replaced by G.
Molecular consequence: intron variant.
Genome position (GRCh38, 1-based): chr8:99,142,966, T>G. VCF-style: chr8-99142966-T-G. GRCh37 (hg19) VCF-style: chr8-100155194-T-G.
Other names: c.1652-8T>G (NM_017890.5, NM_015243.3, NM_152564.4).
Identifiers: ClinVar variation 1542001 (VCV001542001.9), dbSNP rs2132580871, ClinGen allele CA2573143565.
Genomic context (GRCh38, chr8:99,142,966, plus strand): 5'-AGCGATTTTAAAATATTTACTTGGTATATCCAATTGATGCTTAAAATATAAAATTTGACT[T>G]CTTTTAGGTTCCACAAATCAACAAGACTTTTCTTCAGGGAAAAGTGAAGATTTGGGAACA-3'

ClinVar aggregate classification (germline): Likely benign. Review status: criteria provided, single submitter (1 of 4 stars). 2 submissions from 2 submitters: Likely benign (1). 1 of the submissions does not count toward it. Last evaluated 2022-08-19.

Conditions:
VPS13B-related disorder. Also called: VPS13B-related condition.
Cohen syndrome (COH1). Also called: PEPPER SYNDROME; Cutis verticis gyrata, retinitis pigmentosa, and sensorineural deafness. Identifiers: Orphanet 193, MedGen C0265223, MONDO:0008999, OMIM 216550.

Submissions (2):

Labcorp Genetics (formerly Invitae), Labcorp
Classification: Likely benign for Cohen syndrome. Last evaluated: 2022-08-19. Review status: criteria provided, single submitter. Criteria: Invitae Variant Classification Sherloc (09022015). Collection method: clinical testing. Allele origin: germline.

PreventionGenetics, part of Exact Sciences
Classification: Likely benign for VPS13B-related condition. Last evaluated: 2023-03-23. Review status: no assertion criteria provided. Collection method: clinical testing. Allele origin: germline. Not counted in ClinVar's aggregate classification.
Comment: This variant is classified as likely benign based on ACMG/AMP sequence variant interpretation guidelines (Richards et al. 2015 PMID: 25741868, with internal and published modifications).